The following is an entry in ClinVar:

NM_004380.3(CREBBP):c.4465C>A (p.Pro1489Thr)

Gene: CREBBP (CREB binding lysine acetyltransferase; minus strand). Cytogenetic location: 16p13.3.
Variant type: single nucleotide variant.
Coding change: c.4465C>A on transcript NM_004380.3 (MANE Select); coding-DNA position 4465, C replaced by A.
Protein change: p.Pro1489Thr; replaces proline 1489 with threonine.
Molecular consequence: missense variant.
Genome position (GRCh38, 1-based): chr16:3,736,745, G>T on the plus strand (C>A on the coding strand, the complement: CREBBP is on the minus strand). VCF-style: chr16-3736745-G-T. GRCh37 (hg19) VCF-style: chr16-3786746-G-T.
Other names: c.4351C>A, p.Pro1451Thr (NM_001079846.1); c.4465C>A (NM_004380.2); short protein forms P1451T, P1489T.
Identifiers: ClinVar variation 2147853 (VCV002147853.5), dbSNP rs1303444757, ClinGen allele CA394563801.
Genomic context (GRCh38, chr16:3,736,745, plus strand): 5'-TGTCCAGCATCTTTTTGTACCACTCCTGCAGTCGTTTTGGCTTGGGTATTTTTTGATCAG[G>T]TGGGTGGCAATGGAAGATGTAATCATCTCCTTCACTTGGAGGACAGGCCCAGATGTGCCC-3'
Protein context (NP_004371.2, residues 1479-1499): GDDYIFHCHP[Pro1489Thr]DQKIPKPKRL

ClinVar aggregate classification (germline): Uncertain significance. Review status: criteria provided, single submitter (1 of 4 stars). 2 submissions from 2 submitters: Uncertain significance (1). 1 of the submissions does not count toward it. Last evaluated 2022-07-20.

Conditions:
Rubinstein-Taybi syndrome (RSTS). Identifiers: Orphanet 783, MedGen C0035934, MONDO:0019188.
CREBBP-related disorder. Also called: CREBBP-related condition; CREBBP-related disorders.

Allele frequency attached by ClinVar (database versions not stated): gnomAD 0.00001.
gnomAD v4.1: 13 of 1,614,054 alleles (0.00081%); no homozygotes.

Submissions (2):

Labcorp Genetics (formerly Invitae), Labcorp
Classification: Uncertain significance for Rubinstein-Taybi syndrome. Last evaluated: 2022-07-20. Review status: criteria provided, single submitter. Criteria: Invitae Variant Classification Sherloc (09022015). Collection method: clinical testing. Allele origin: germline.
Comment: This variant has not been reported in the literature in individuals affected with CREBBP-related conditions. Advanced modeling of protein sequence and biophysical properties (such as structural, functional, and spatial information, amino acid conservation, physicochemical variation, residue mobility, and thermodynamic stability) performed at Invitae indicates that this missense variant is not expected to disrupt CREBBP protein function. In summary, the available evidence is currently insufficient to determine the role of this variant in disease. Therefore, it has been classified as a Variant of Uncertain Significance. This sequence change replaces proline, which is neutral and non-polar, with threonine, which is neutral and polar, at codon 1489 of the CREBBP protein (p.Pro1489Thr). This variant is present in population databases (no rsID available, gnomAD 0.01%).

PreventionGenetics, part of Exact Sciences
Classification: Uncertain significance for CREBBP-related condition. Last evaluated: 2024-06-26. Review status: no assertion criteria provided. Collection method: clinical testing. Allele origin: germline. Not counted in ClinVar's aggregate classification.
Comment: The CREBBP c.4465C>A variant is predicted to result in the amino acid substitution p.Pro1489Thr. To our knowledge, this variant has not been reported in the literature. This variant is reported in 0.020% of alleles in individuals of Ashkenazi Jewish descent in gnomAD, which may be too common to be a primary cause of disease. Although we suspect this variant may be benign, at this time, the clinical significance is uncertain due to the absence of conclusive functional and genetic evidence.